The following is an entry in ClinVar:

ClinVar aggregate classification (germline): Conflicting classifications of pathogenicity. Review status: criteria provided, conflicting classifications (1 of 4 stars). 5 submissions from 5 submitters: Uncertain significance (4); Benign (1). Last evaluated 2026-05-26.

Conditions:
Hereditary cancer-predisposing syndrome. Also called: Tumor predisposition; Hereditary neoplastic syndrome; Hereditary Cancer Syndrome; Neoplastic Syndromes, Hereditary. Identifiers: Orphanet 140162, MedGen C0027672, MeSH D009386, MONDO:0015356.
Hereditary diffuse gastric adenocarcinoma (HDGC). Also called: DIFFUSE GASTRIC AND LOBULAR BREAST CANCER SYNDROME. Identifiers: Orphanet 26106, MedGen C1708349, MONDO:0007648, OMIM 137215.

gnomAD v4.1: 2 of 1,613,950 alleles (0.00012%); highest among the groups gnomAD compares: Non-Finnish European, 0.000085%; no homozygotes.

Submissions (5):

Ambry Genetics
Classification: Benign for Hereditary cancer-predisposing syndrome. Last evaluated: 2026-05-26. Review status: criteria provided, single submitter. Criteria: Ambry Variant Classification Scheme 2023. Collection method: clinical testing. Allele origin: germline.

Dasa
Classification: Uncertain significance. Last evaluated: 2025-04-30. Review status: criteria provided, single submitter. Criteria: DASA Assertion Criteria. Collection method: clinical testing. Allele origin: germline.
Comment: NM_004360.5(CDH1):c.2098C>G (p.Pro700Ala) is a missense variant that results in the substitution of proline with alanine. This variant is rare in population databases. The currently available literature and clinical evidence are not sufficient to establish a definitive association between this variant and the reported condition. Therefore, this variant is classified as a variant of uncertain significance.

Labcorp Genetics (formerly Invitae), Labcorp
Classification: Uncertain significance for Hereditary diffuse gastric adenocarcinoma. Last evaluated: 2025-04-14. Review status: criteria provided, single submitter. Criteria: Invitae Variant Classification Sherloc (09022015). Collection method: clinical testing. Allele origin: germline.
Comment: This sequence change replaces proline, which is neutral and non-polar, with alanine, which is neutral and non-polar, at codon 700 of the CDH1 protein (p.Pro700Ala). This variant is not present in population databases (gnomAD no frequency). This variant has not been reported in the literature in individuals affected with CDH1-related conditions. ClinVar contains an entry for this variant (Variation ID: 239889). An algorithm developed to predict the effect of missense changes on protein structure and function (PolyPhen-2) suggests that this variant is likely to be tolerated. In summary, the available evidence is currently insufficient to determine the role of this variant in disease. Therefore, it has been classified as a Variant of Uncertain Significance.

Color Diagnostics, LLC DBA Color Health
Classification: Uncertain significance for Hereditary cancer-predisposing syndrome. Last evaluated: 2023-12-05. Review status: criteria provided, single submitter. Criteria: ACMG Guidelines, 2015. Collection method: clinical testing. Allele origin: germline.
Comment: This missense variant replaces proline with alanine at codon 700 of the CDH1 protein. To our knowledge, functional studies have not been reported for this variant. This variant has not been reported in individuals affected with CDH1-related disorders in the literature. This variant has not been identified in the general population by the Genome Aggregation Database (gnomAD). The available evidence is insufficient to determine the role of this variant in disease conclusively. Therefore, this variant is classified as a Variant of Uncertain Significance.

Mendelics
Classification: Uncertain significance. Last evaluated: 2022-05-04. Review status: criteria provided, single submitter. Criteria: Mendelics Assertion Criteria 2019. Collection method: clinical testing. Allele origin: germline.

NM_004360.5(CDH1):c.2098C>G (p.Pro700Ala)

Gene: CDH1 (cadherin 1; plus strand). Cytogenetic location: 16q22.1.
Variant type: single nucleotide variant.
Coding change: c.2098C>G on transcript NM_004360.5 (MANE Select); coding-DNA position 2098, C replaced by G.
Protein change: p.Pro700Ala; replaces proline 700 with alanine.
Molecular consequence: missense variant.
Genome position (GRCh38, 1-based): chr16:68,823,560, C>G. VCF-style: chr16-68823560-C-G. GRCh37 (hg19) VCF-style: chr16-68857463-C-G.
Other names: c.1915C>G, p.Pro639Ala (NM_001317184.2); c.550C>G, p.Pro184Ala (NM_001317185.2); c.133C>G, p.Pro45Ala (NM_001317186.2); c.2098C>G (LRG_301t1); short protein forms P700A, P184A, P45A, P639A.
Identifiers: ClinVar variation 239889 (VCV000239889.22), dbSNP rs878854681, ClinGen allele CA10583419.